The following is an entry in ClinVar:

NM_002397.5(MEF2C):c.402+1G>A

Gene: MEF2C (myocyte enhancer factor 2C; minus strand). Cytogenetic location: 5q14.3.
Variant type: single nucleotide variant.
Coding change: c.402+1G>A on transcript NM_002397.5 (MANE Select); the canonical splice donor site of the intron after coding-DNA position 402, G replaced by A.
Molecular consequence: splice donor variant. On other transcripts: intron variant (12).
Genome position (GRCh38, 1-based): chr5:88,761,184, C>T on the plus strand (G>A on the coding strand, the complement: MEF2C is on the minus strand). VCF-style: chr5-88761184-C-T. GRCh37 (hg19) VCF-style: chr5-88057001-C-T.
Other names: c.402+1G>A (NM_001364329.2, NM_001364330.2, NM_001364333.2 and 18 more transcripts); c.259-9141G>A (NM_001364344.2, NM_001364354.2, NM_001364332.2 and 3 more transcripts); c.24+1G>A (NM_001364353.2, NM_001364356.2); c.259-59G>A (NM_001131005.2, NM_001364352.2, NM_001364343.2); c.319-59G>A (NM_001193347.1, NM_001364338.2); c.-24-9141G>A (NM_001364357.2).
Identifiers: ClinVar variation 2572636 (VCV002572636.1), dbSNP rs2548164806, ClinGen allele CA360424401.

ClinVar aggregate classification (germline): Pathogenic (1 of 4 stars; one submission).

Conditions:
Neurodevelopmental disorder with hypotonia, stereotypic hand movements, and impaired language. Also called: Intellectual disability, autosomal dominant 20. Identifiers: Orphanet 228384, Orphanet 664410, MedGen C3150700, MONDO:0013266, OMIM 613443.

Submission:

Laboratory of Medical Genetics, National & Kapodistrian University of Athens
Classification: Pathogenic for Neurodevelopmental disorder with hypotonia, stereotypic hand movements, and impaired language. Last evaluated: 2023-02-17. Review status: criteria provided, single submitter. Criteria: ACMG Guidelines, 2015. Collection method: clinical testing. Allele origin: germline. Affected: yes.
Comment: PVS1, PM2, PS2